The following is an entry in ClinVar:

NM_014991.6(WDFY3):c.7066G>A (p.Gly2356Arg)

Gene: WDFY3 (WD repeat and FYVE domain containing 3; minus strand). Cytogenetic location: 4q21.23.
Variant type: single nucleotide variant.
Coding change: c.7066G>A on transcript NM_014991.6 (MANE Select); coding-DNA position 7066, G replaced by A.
Protein change: p.Gly2356Arg; replaces glycine 2356 with arginine.
Molecular consequence: missense variant.
Genome position (GRCh38, 1-based): chr4:84,733,537, C>T on the plus strand (G>A on the coding strand, the complement: WDFY3 is on the minus strand). VCF-style: chr4-84733537-C-T. GRCh37 (hg19) VCF-style: chr4-85654690-C-T.
Other names: short protein forms G2356R.
Identifiers: ClinVar variation 3893620 (VCV003893620.1).

ClinVar aggregate classification (germline): Uncertain significance (1 of 4 stars; one submission).

Submission:

GeneDx
Classification: Uncertain significance. Last evaluated: 2024-10-27. Review status: criteria provided, single submitter. Criteria: GeneDx Variant Classification Process June 2021. Collection method: clinical testing. Allele origin: germline. Affected: yes.
Comment: Not observed at significant frequency in large population cohorts (gnomAD); In silico analysis supports that this missense variant has a deleterious effect on protein structure/function; Has not been previously published as pathogenic or benign to our knowledge